The following is an entry in ClinVar:

ClinVar aggregate classification (germline): Likely pathogenic (1 of 4 stars; one submission).

Conditions:
Dilated cardiomyopathy 1G (CMD1G). Identifiers: Orphanet 154, MedGen C1858763, MONDO:0011400, OMIM 604145.
Autosomal recessive limb-girdle muscular dystrophy type 2J (LGMDR10). Also called: Limb-girdle muscular dystrophy, type 2J; MUSCULAR DYSTROPHY, LIMB-GIRDLE, AUTOSOMAL RECESSIVE 10. Identifiers: Orphanet 140922, MedGen C1837342, MONDO:0012127, OMIM 608807.

Submission:

Labcorp Genetics (formerly Invitae), Labcorp
Classification: Likely pathogenic for Dilated cardiomyopathy 1G; Autosomal recessive limb-girdle muscular dystrophy type 2J. Last evaluated: 2023-12-06. Review status: criteria provided, single submitter. Criteria: Invitae Variant Classification Sherloc (09022015). Collection method: clinical testing. Allele origin: germline.
Comment: This sequence change creates a premature translational stop signal (p.Ala34126Leufs*17) in the TTN gene. While this is not anticipated to result in nonsense mediated decay, it is expected to create a truncated TTN protein. This variant is not present in population databases (gnomAD no frequency). This variant has not been reported in the literature in individuals affected with TTN-related conditions. ClinVar contains an entry for this variant (Variation ID: 1348739). This variant is located in the M band of TTN (PMID: 25589632). Truncating variants in this region have been previously reported in individuals affected with autosomal recessive myopathy and muscular dystrophy (PMID: 18948003, 23975875, 24395473). Truncating variants in this region have also been identified in individuals affected with autosomal dominant dilated cardiomyopathy and/or cardio-related conditions (PMID: 27869827, 32964742). In summary, the currently available evidence indicates that the variant is pathogenic, but additional data are needed to prove that conclusively. Therefore, this variant has been classified as Likely Pathogenic.

Literature cited by the submitters: PubMed 25589632; PubMed 18948003; PubMed 23975875; PubMed 24395473; PubMed 27869827; PubMed 32964742.

NM_001267550.2(TTN):c.102375del (p.Ala34126fs)

Genes: TTN (titin; minus strand), TTN-AS1 (TTN antisense RNA 1; plus strand). Cytogenetic location: 2q31.2.
Variant type: Deletion.
Coding change: c.102375del on transcript NM_001267550.2 (MANE Select); coding-DNA position 102375, one base deleted (T; older notation c.102375delT).
Protein change: p.Ala34126fs; shifts the reading frame from alanine 34126.
Molecular consequence: frameshift variant.
Genome position (GRCh38, 1-based): chr2:178,534,240, A deleted on the plus strand (T on the coding strand, the reverse complement: TTN is on the minus strand); the first of 2 consecutive A bases (chr2:178,534,240-178,534,241); deleting either gives the same sequence. VCF-style (leftmost placement, unchanged base first): chr2-178534239-CA-C. GRCh37 (hg19) VCF-style: chr2-179398966-CA-C.
Other names: c.97452del, p.Ala32485fs (NM_001256850.1); c.75180del, p.Ala25061fs (NM_003319.4); c.94671del, p.Ala31558fs (NM_133378.4); c.75555del, p.Ala25186fs (NM_133432.3); c.75756del, p.Ala25253fs (NM_133437.4); short protein forms A25186fs, A32485fs, A25061fs, A31558fs, A34126fs, A25253fs.
Identifiers: ClinVar variation 1348739 (VCV001348739.8), dbSNP rs2154135741, ClinGen allele CA2573134093.
Genomic context (GRCh38, chr2:178,534,239, plus strand): 5'-CTGCATGCATTATCTGCCCAGAAACTGGGCCAATTTCAATGGATGCCACTTTAACTTTAG[CA>C]ACACTCACTCCCTTCTGAGATCGAATTGCACCACCACAGGAGATCCGGGCTGCTGACACA-3'